The following is an entry in ClinVar:

ClinVar aggregate classification (germline): Conflicting classifications of pathogenicity. Review status: criteria provided, conflicting classifications (1 of 4 stars). 2 submissions from 2 submitters: Uncertain significance (1); Likely benign (1). Last evaluated 2024-09-25.

Conditions:
Hereditary cancer-predisposing syndrome. Also called: Hereditary Cancer Syndrome; Neoplastic Syndromes, Hereditary; Tumor predisposition; Hereditary neoplastic syndrome. Identifiers: Orphanet 140162, MedGen C0027672, MeSH D009386, MONDO:0015356.

Allele frequency attached by ClinVar (database versions not stated): gnomAD exomes below 0.00001 and 0.00001; ExAC 0.00001; gnomAD 0.00001; TOPMed 0.00001; ESP Exome Variant Server 0.00008.
gnomAD v4.1: 2 of 1,610,432 alleles (0.00012%); highest among the groups gnomAD compares: African/African-American, 0.0027%; no homozygotes.

Submissions (2):

Ambry Genetics
Classification: Likely benign for Hereditary cancer-predisposing syndrome. Last evaluated: 2024-09-25. Review status: criteria provided, single submitter. Criteria: Ambry Variant Classification Scheme 2023. Collection method: clinical testing. Allele origin: germline.

Labcorp Genetics (formerly Invitae), Labcorp
Classification: Uncertain significance. Last evaluated: 2024-08-03. Review status: criteria provided, single submitter. Criteria: Invitae Variant Classification Sherloc (09022015). Collection method: clinical testing. Allele origin: germline.
Comment: This sequence change falls in intron 15 of the CTNNA1 gene. It does not directly change the encoded amino acid sequence of the CTNNA1 protein. It affects a nucleotide within the consensus splice site. This variant is present in population databases (rs372515193, gnomAD 0.01%). This variant has not been reported in the literature in individuals affected with CTNNA1-related conditions. ClinVar contains an entry for this variant (Variation ID: 1023732). Variants that disrupt the consensus splice site are a relatively common cause of aberrant splicing (PMID: 17576681, 9536098). Algorithms developed to predict the effect of sequence changes on RNA splicing suggest that this variant may disrupt the consensus splice site. In summary, the available evidence is currently insufficient to determine the role of this variant in disease. Therefore, it has been classified as a Variant of Uncertain Significance.

Literature cited by the submitters: PubMed 17576681 (cited by Labcorp Genetics (formerly Invitae), Labcorp); PubMed 9536098 (cited by Labcorp Genetics (formerly Invitae), Labcorp).

NM_001903.5(CTNNA1):c.2192+4A>C

Gene: CTNNA1 (catenin alpha 1; plus strand). Cytogenetic location: 5q31.2.
Variant type: single nucleotide variant.
Coding change: c.2192+4A>C on transcript NM_001903.5 (MANE Select); 4 bases into the intron after coding-DNA position 2192, A replaced by C.
Molecular consequence: intron variant.
Genome position (GRCh38, 1-based): chr5:138,930,658, A>C. VCF-style: chr5-138930658-A-C. GRCh37 (hg19) VCF-style: chr5-138266347-A-C.
Other names: c.2192+4A>C (NM_001903.2, NM_001323982.2, NM_001323984.2 and 3 more transcripts); c.2099+4A>C (NM_001323986.2); c.1823+4A>C (NM_001290310.3); c.1883+4A>C (NM_001290309.3); c.1082+4A>C (NM_001323996.1, NM_001323993.1, NM_001324005.1 and 17 more transcripts); c.743+4A>C (NM_001324007.1, NM_001324009.1, NM_001324006.1 and 2 more transcripts); c.839+4A>C (NM_001324013.1, NM_001324012.1); c.989+4A>C (NM_001324011.1).
Identifiers: ClinVar variation 1023732 (VCV001023732.7), dbSNP rs372515193, ClinGen allele CA3432123.